The following is an entry in ClinVar:

ClinVar aggregate classification (germline): Likely pathogenic (1 of 4 stars; one submission).

Conditions:
Familial cancer of breast. Also called: hereditary breast carcinoma; Hereditary breast cancer; BREAST CANCER, FAMILIAL. Identifiers: Orphanet 227535, MedGen C0346153, MONDO:0016419, OMIM 114480. Disease mechanism: loss of function.

Submission:

Labcorp Genetics (formerly Invitae), Labcorp
Classification: Likely pathogenic for Familial cancer of breast. Last evaluated: 2021-02-24. Review status: criteria provided, single submitter. Criteria: Invitae Variant Classification Sherloc (09022015). Collection method: clinical testing. Allele origin: germline.
Comment: In summary, the currently available evidence indicates that the variant is pathogenic, but additional data are needed to prove that conclusively. Therefore, this variant has been classified as Likely Pathogenic. This variant has not been reported in the literature in individuals with BARD1-related conditions. This variant results in the deletion of part of exon 4 (c.944_1315-1887del) of the BARD1 gene. It is expected to disrupt RNA splicing. Variants that disrupt the donor or acceptor splice site typically lead to a loss of protein function (PMID: 16199547), and loss-of-function variants in BARD1 are known to be pathogenic (PMID: 20077502, 21344236).

Literature cited by the submitters: PubMed 16199547; PubMed 20077502; PubMed 21344236.

NC_000002.11:g.(?_215635923)_(215645654_?)del

Gene: BARD1 (BRCA1 associated RING domain 1; minus strand). Cytogenetic location: 2q35.
Variant type: Deletion.
Identifiers: ClinVar variation 1498095 (VCV001498095.5).